The following is an entry in ClinVar:

ClinVar aggregate classification (germline): Likely benign (1 of 4 stars; one submission).

Allele frequency attached by ClinVar (database versions not stated): 1000 Genomes Project 30x 0.00187; 1000 Genomes Project 0.00200; ExAC 0.00500; ESP Exome Variant Server 0.00646.
gnomAD v4.1: 12,623 of 1,614,158 alleles (0.78%); highest among the groups gnomAD compares: South Asian, 0.93%; 68 homozygotes.

Submission:

CeGaT Center for Human Genetics Tuebingen
Classification: Likely benign. Last evaluated: 2023-02-01. Review status: criteria provided, single submitter. Criteria: CeGaT Center For Human Genetics Tuebingen Variant Classification Criteria Version 2. Collection method: clinical testing. Allele origin: germline. Affected: yes. Observed: 2 variant alleles.
Comment: AKAP13: BP4, BS2

NM_007200.5(AKAP13):c.2510C>T (p.Thr837Met)

Gene: AKAP13 (A-kinase anchoring protein 13; plus strand). Cytogenetic location: 15q25.3.
Variant type: single nucleotide variant.
Coding change: c.2510C>T on transcript NM_007200.5 (MANE Select); coding-DNA position 2510, C replaced by T.
Protein change: p.Thr837Met; replaces threonine 837 with methionine.
Molecular consequence: missense variant.
Genome position (GRCh38, 1-based): chr15:85,580,578, C>T. VCF-style: chr15-85580578-C-T. GRCh37 (hg19) VCF-style: chr15-86123809-C-T.
Other names: c.2510C>T, p.Thr837Met (NM_006738.6); short protein forms T837M.
Identifiers: ClinVar variation 2645654 (VCV002645654.24), dbSNP rs114703106, ClinGen allele CA7712624.